The following is an entry in ClinVar:

ClinVar aggregate classification (germline): Conflicting classifications of pathogenicity. Review status: criteria provided, conflicting classifications (1 of 4 stars). 3 submissions from 3 submitters: Uncertain significance (2); Likely benign (1). Last evaluated 2025-10-05.

Conditions:
Cardiovascular phenotype. Identifiers: MedGen CN230736.
Arrhythmogenic cardiomyopathy with wooly hair and keratoderma. Also called: Arrhythmogenic cardiomyopathy with woolly hair and keratoderma; Dilated cardiomyopathy with woolly hair and keratoderma; PALMOPLANTAR KERATODERMA WITH LEFT VENTRICULAR CARDIOMYOPATHY AND WOOLLY HAIR; Carvajal syndrome. Identifiers: Orphanet 65282, MedGen C1854063, MONDO:0011581, OMIM 605676.
Arrhythmogenic right ventricular dysplasia 8 (ARVD8). Also called: Arrhythmogenic Right Ventricular Dysplasia/Cardiomyopathy 8; ARRHYTHMOGENIC RIGHT VENTRICULAR CARDIOMYOPATHY 8; ARRHYTHMOGENIC RIGHT VENTRICULAR DYSPLASIA, FAMILIAL, 8. Identifiers: MedGen C1843896, MONDO:0011831, OMIM 607450.

Allele frequency attached by ClinVar (database versions not stated): gnomAD 0.00001; TOPMed 0.00002.
gnomAD v4.1: 3 of 1,614,036 alleles (0.00019%); highest among the groups gnomAD compares: Admixed American, 0.0033%; no homozygotes.

Submissions (3):

Labcorp Genetics (formerly Invitae), Labcorp
Classification: Likely benign for Arrhythmogenic cardiomyopathy with wooly hair and keratoderma; Arrhythmogenic right ventricular dysplasia 8. Last evaluated: 2025-10-05. Review status: criteria provided, single submitter. Criteria: Invitae Variant Classification Sherloc (09022015). Collection method: clinical testing. Allele origin: germline.

All of Us Research Program, National Institutes of Health
Classification: Uncertain significance for Arrhythmogenic cardiomyopathy with wooly hair and keratoderma. Last evaluated: 2024-05-13. Review status: criteria provided, single submitter. Criteria: ACMG Guidelines, 2015. Collection method: clinical testing. Allele origin: germline. Inheritance: Autosomal dominant inheritance. Observed: 2 variant alleles, 2 heterozygotes.
Comment: This missense variant replaces arginine with serine at codon 1544 of the DSP protein. Computational prediction suggests that this variant may not impact protein structure and function (internally defined REVEL score threshold <= 0.5, PMID: 27666373). To our knowledge, functional studies have not been reported for this variant. This variant has not been reported in individuals affected with DSP-related disorders in the literature. This variant has been identified in 1/250046 chromosomes in the general population by the Genome Aggregation Database (gnomAD). The available evidence is insufficient to determine the role of this variant in disease conclusively. Therefore, this variant is classified as a Variant of Uncertain Significance.

This study involves interpretation of variants in research participants for the purpose of population health screening. Participant phenotype was not available at the time of variant classification. Additional details can be found in publication PMID: 35346344, PMCID: PMC8962531

Ambry Genetics
Classification: Uncertain significance for Cardiovascular phenotype. Last evaluated: 2022-07-17. Review status: criteria provided, single submitter. Criteria: Ambry Variant Classification Scheme 2023. Collection method: clinical testing. Allele origin: germline.
Comment: The p.R1544S variant (also known as c.4632G>T), located in coding exon 23 of the DSP gene, results from a G to T substitution at nucleotide position 4632. The arginine at codon 1544 is replaced by serine, an amino acid with dissimilar properties. This amino acid position is conserved. In addition, the in silico prediction for this alteration is inconclusive. Since supporting evidence is limited at this time, the clinical significance of this alteration remains unclear.

NM_004415.4(DSP):c.4632G>T (p.Arg1544Ser)

Gene: DSP (desmoplakin; plus strand). Cytogenetic location: 6p24.3.
Variant type: single nucleotide variant.
Coding change: c.4632G>T on transcript NM_004415.4 (MANE Select); coding-DNA position 4632, G replaced by T.
Protein change: p.Arg1544Ser; replaces arginine 1544 with serine.
Molecular consequence: missense variant. On other transcripts: intron variant (2).
Genome position (GRCh38, 1-based): chr6:7,580,822, G>T. VCF-style: chr6-7580822-G-T. GRCh37 (hg19) VCF-style: chr6-7581055-G-T.
Other names: c.4050+582G>T (NM_001319034.2); c.3582+1050G>T (NM_001008844.3); short protein forms R1544S.
Identifiers: ClinVar variation 1742052 (VCV001742052.8), dbSNP rs766390243, ClinGen allele CA042216.
Genomic context (GRCh38, chr6:7,580,822, plus strand): 5'-AATAAACAAACTGAAGGTTCAGGAGCAAGAACTGACACGCCTGAGGATCGACTATGAAAG[G>T]GTTTCCCAGGAGAGGACTGTGAAGGACCAGGATATCACGCGGTTCCAGAACTCTCTGAAA-3'
Protein context (NP_004406.2, residues 1534-1554): ELTRLRIDYE[Arg1544Ser]VSQERTVKDQ